The following is an entry in ClinVar:

NM_001080512.3(BICC1):c.1996A>G (p.Thr666Ala)

Gene: BICC1 (BicC family RNA binding protein 1; plus strand). Cytogenetic location: 10q21.1.
Variant type: single nucleotide variant.
Coding change: c.1996A>G on transcript NM_001080512.3 (MANE Select); coding-DNA position 1996, A replaced by G.
Protein change: p.Thr666Ala; replaces threonine 666 with alanine.
Molecular consequence: missense variant.
Genome position (GRCh38, 1-based): chr10:58,801,027, A>G. VCF-style: chr10-58801027-A-G. GRCh37 (hg19) VCF-style: chr10-60560787-A-G.
Other names: short protein forms T666A.
Identifiers: ClinVar variation 2064075 (VCV002064075.6), dbSNP rs200911927, ClinGen allele CA5508656.

ClinVar aggregate classification (germline): Uncertain significance. Review status: criteria provided, multiple submitters, no conflicts (2 of 4 stars). 3 submissions from 3 submitters: Uncertain significance (3). Last evaluated 2024-06-03.

Conditions:
Renal dysplasia, cystic, susceptibility to. Identifiers: MedGen C3275898, MONDO:0011037, OMIM 601331.

gnomAD v4.1: 48 of 1,607,684 alleles (0.003%); highest among the groups gnomAD compares: Admixed American, 0.0085%; no homozygotes.

Submissions (3):

Labcorp Genetics (formerly Invitae), Labcorp
Classification: Uncertain significance. Last evaluated: 2024-06-03. Review status: criteria provided, single submitter. Criteria: Invitae Variant Classification Sherloc (09022015). Collection method: clinical testing. Allele origin: germline.
Comment: This sequence change replaces threonine, which is neutral and polar, with alanine, which is neutral and non-polar, at codon 666 of the BICC1 protein (p.Thr666Ala). This variant is present in population databases (rs200911927, gnomAD 0.006%). This variant has not been reported in the literature in individuals affected with BICC1-related conditions. ClinVar contains an entry for this variant (Variation ID: 2064075). An algorithm developed to predict the effect of missense changes on protein structure and function (PolyPhen-2) suggests that this variant is likely to be tolerated. In summary, the available evidence is currently insufficient to determine the role of this variant in disease. Therefore, it has been classified as a Variant of Uncertain Significance.

Fulgent Genetics
Classification: Uncertain significance for Renal dysplasia, cystic, susceptibility to. Last evaluated: 2024-02-12. Review status: criteria provided, single submitter. Criteria: ACMG Guidelines, 2015. Collection method: clinical testing. Allele origin: germline.

Ambry Genetics
Classification: Uncertain significance. Last evaluated: 2022-02-10. Review status: criteria provided, single submitter. Criteria: Ambry Variant Classification Scheme 2023. Collection method: clinical testing. Allele origin: germline.